The following is an entry in ClinVar:

NM_058216.3(RAD51C):c.476A>G (p.Asp159Gly)

Gene: RAD51C (RAD51 paralog C; plus strand). Cytogenetic location: 17q22.
Variant type: single nucleotide variant.
Coding change: c.476A>G on transcript NM_058216.3 (MANE Select); coding-DNA position 476, A replaced by G.
Protein change: p.Asp159Gly; replaces aspartic acid 159 with glycine.
Molecular consequence: missense variant.
Genome position (GRCh38, 1-based): chr17:58,696,764, A>G. VCF-style: chr17-58696764-A-G. GRCh37 (hg19) VCF-style: chr17-56774125-A-G.
Other names: short protein forms D159G.
Identifiers: ClinVar variation 825157 (VCV000825157.6), dbSNP rs1555594714, ClinGen allele CA400344698.

ClinVar aggregate classification (germline): Likely pathogenic (1 of 4 stars; one submission).

Conditions:
Hereditary cancer-predisposing syndrome. Also called: Neoplastic Syndromes, Hereditary; Tumor predisposition; Hereditary neoplastic syndrome; Hereditary Cancer Syndrome. Identifiers: Orphanet 140162, MedGen C0027672, MeSH D009386, MONDO:0015356.

Submission:

Ambry Genetics
Classification: Likely pathogenic for Hereditary cancer-predisposing syndrome. Last evaluated: 2025-09-05. Review status: criteria provided, single submitter. Criteria: Ambry Variant Classification Scheme 2023. Collection method: clinical testing. Allele origin: germline.
Comment: The p.D159G variant (also known as c.476A>G), located in coding exon 3 of the RAD51C gene, results from an A to G substitution at nucleotide position 476. The aspartic acid at codon 159 is replaced by glycine, an amino acid with similar properties. This amino acid position is highly conserved in available vertebrate species. In a homology-directed DNA repair (HDR) assay, this alteration showed a functionally abnormal read-out (Olvera-Le&oacute;n R et al Cell 2024 Oct;187(20):5719-5734.e19). This variant is considered to be rare based on population cohorts in the Genome Aggregation Database (gnomAD). In addition, this alteration is predicted to be deleterious by in silico analysis. Based on the majority of available evidence to date, this variant is likely to be pathogenic.